The following is an entry in ClinVar:

NM_001128425.2(MUTYH):c.32T>C (p.Leu11Pro)

Genes: MUTYH (mutY DNA glycosylase; minus strand), TOE1 (target of EGR1, exonuclease; plus strand). Cytogenetic location: 1p34.1.
Variant type: single nucleotide variant.
Coding change: c.32T>C on transcript NM_001128425.2 (MANE Plus Clinical); coding-DNA position 32, T replaced by C.
Protein change: p.Leu11Pro; replaces leucine 11 with proline.
Molecular consequence: missense variant. On other transcripts: 5 prime UTR variant (8), non-coding transcript variant (3).
Genome position (GRCh38, 1-based): chr1:45,340,223, A>G on the plus strand (T>C on the coding strand, the complement: MUTYH is on the minus strand). VCF-style: chr1-45340223-A-G. GRCh37 (hg19) VCF-style: chr1-45805895-A-G.
Other names: c.-30A>G (NM_025077.4); c.-11T>C (NM_001048171.2); c.32T>C, p.Leu11Pro (NM_001293190.2, NM_001407069.1, NM_001407073.1 and 1 more transcripts); c.-223T>C (NM_001293192.2); c.-282T>C (NM_001350650.2); c.-218T>C (NM_001350651.2); c.-27T>C (NM_001407070.1, NM_001407071.1); c.-7T>C (NM_001407072.1); short protein forms L11P.
Identifiers: ClinVar variation 2084284 (VCV002084284.4), dbSNP rs752665489, ClinGen allele CA340137839.

ClinVar aggregate classification (germline): Uncertain significance (1 of 4 stars; one submission).

Conditions:
Familial adenomatous polyposis 2. Also called: MYH-associated polyposis; FAP type 2; MUTYH-associated polyposis; MUTYH-related attenuated familial adenomatous polyposis; MUTYH Polyposis; Adenomas, multiple colorectal. Identifiers: Orphanet 220460, Orphanet 247798, MedGen C3272841, MONDO:0012041, OMIM 608456.

gnomAD v4.1: 4 of 1,613,842 alleles (0.00025%); highest among the groups gnomAD compares: Non-Finnish European, 0.00034%; no homozygotes.

Submission:

Labcorp Genetics (formerly Invitae), Labcorp
Classification: Uncertain significance for Familial adenomatous polyposis 2. Last evaluated: 2025-11-23. Review status: criteria provided, single submitter. Criteria: Invitae Variant Classification Sherloc (09022015). Collection method: clinical testing. Allele origin: germline.
Comment: This sequence change replaces leucine, which is neutral and non-polar, with proline, which is neutral and non-polar, at codon 11 of the MUTYH protein (p.Leu11Pro). This variant is not present in population databases (gnomAD no frequency). This variant has not been reported in the literature in individuals affected with MUTYH-related conditions. ClinVar contains an entry for this variant (Variation ID: 2084284). An algorithm developed to predict the effect of missense changes on protein structure and function (PolyPhen-2) suggests that this variant is likely to be tolerated. In summary, the available evidence is currently insufficient to determine the role of this variant in disease. Therefore, it has been classified as a Variant of Uncertain Significance.